The following is an entry in ClinVar:

NM_020975.6(RET):c.916G>T (p.Ala306Ser)

Gene: RET (ret proto-oncogene; plus strand). Cytogenetic location: 10q11.21.
Variant type: single nucleotide variant.
Coding change: c.916G>T on transcript NM_020975.6 (MANE Select); coding-DNA position 916, G replaced by T.
Protein change: p.Ala306Ser; replaces alanine 306 with serine.
Molecular consequence: missense variant.
Genome position (GRCh38, 1-based): chr10:43,106,424, G>T. VCF-style: chr10-43106424-G-T. GRCh37 (hg19) VCF-style: chr10-43601872-G-T.
Other names: c.916G>T, p.Ala306Ser (NM_000323.2, NM_001406743.1, NM_001406744.1 and 6 more transcripts); c.154G>T, p.Ala52Ser (NM_001355216.2); c.787G>T, p.Ala263Ser (NM_001406761.1, NM_001406762.1, NM_001406764.1 and 1 more transcripts); c.628G>T, p.Ala210Ser (NM_001406766.1, NM_001406767.1, NM_001406770.1); short protein forms A306S, A52S, A210S, A263S.
Identifiers: ClinVar variation 1021592 (VCV001021592.10), dbSNP rs1837777521, ClinGen allele CA376545882.

ClinVar aggregate classification (germline): Uncertain significance. Review status: criteria provided, multiple submitters, no conflicts (2 of 4 stars). 2 submissions from 2 submitters: Uncertain significance (2). Last evaluated 2025-12-22.

Conditions:
Multiple endocrine neoplasia, type 2 (MEN2). Identifiers: Orphanet 653, MedGen C4048306, MONDO:0019003. Disease mechanism: gain of function.
Hereditary cancer-predisposing syndrome. Also called: Hereditary Cancer Syndrome; Neoplastic Syndromes, Hereditary; Tumor predisposition; Hereditary neoplastic syndrome. Identifiers: Orphanet 140162, MedGen C0027672, MeSH D009386, MONDO:0015356.

Submissions (2):

Ambry Genetics
Classification: Uncertain significance for Hereditary cancer-predisposing syndrome. Last evaluated: 2025-12-22. Review status: criteria provided, single submitter. Criteria: Ambry Variant Classification Scheme 2023. Collection method: clinical testing. Allele origin: germline.
Comment: The p.A306S variant (also known as c.916G>T), located in coding exon 5 of the RET gene, results from a G to T substitution at nucleotide position 916. The alanine at codon 306 is replaced by serine, an amino acid with similar properties. This amino acid position is conserved. In addition, this alteration is predicted to be tolerated by in silico analysis. Based on the available evidence, the clinical significance of this variant remains unclear.

Labcorp Genetics (formerly Invitae), Labcorp
Classification: Uncertain significance for Multiple endocrine neoplasia, type 2. Last evaluated: 2020-05-01. Review status: criteria provided, single submitter. Criteria: Invitae Variant Classification Sherloc (09022015). Collection method: clinical testing. Allele origin: germline.
Comment: Algorithms developed to predict the effect of missense changes on protein structure and function output the following: SIFT: "Tolerated"; PolyPhen-2: "Benign"; Align-GVGD: "Class C0". The serine amino acid residue is found in multiple mammalian species, suggesting that this missense change does not adversely affect protein function. These predictions have not been confirmed by published functional studies and their clinical significance is uncertain. In summary, the available evidence is currently insufficient to determine the role of this variant in disease. Therefore, it has been classified as a Variant of Uncertain Significance. This variant has not been reported in the literature in individuals with RET-related conditions. This variant is not present in population databases (ExAC no frequency). This sequence change replaces alanine with serine at codon 306 of the RET protein (p.Ala306Ser). The alanine residue is moderately conserved and there is a moderate physicochemical difference between alanine and serine.